The following is an entry in ClinVar:

NM_000435.3(NOTCH3):c.313T>C (p.Ser105Pro)

Gene: NOTCH3 (notch receptor 3; minus strand). Cytogenetic location: 19p13.12.
Variant type: single nucleotide variant.
Coding change: c.313T>C on transcript NM_000435.3 (MANE Select); coding-DNA position 313, T replaced by C.
Protein change: p.Ser105Pro; replaces serine 105 with proline.
Molecular consequence: missense variant.
Genome position (GRCh38, 1-based): chr19:15,192,404, A>G on the plus strand (T>C on the coding strand, the complement: NOTCH3 is on the minus strand). VCF-style: chr19-15192404-A-G. GRCh37 (hg19) VCF-style: chr19-15303215-A-G.
Other names: short protein forms S105P.
Identifiers: ClinVar variation 1720075 (VCV001720075.6), dbSNP rs2145443100, ClinGen allele CA404534806.
Genomic context (GRCh38, chr19:15,192,404, plus strand): 5'-GACTACCTCCCCTCCAGACTCTTCCCCTCTCACCTCGGAAGCCACGGGGGCACCGGCATG[A>G]GAATCGGGCGGTGCCAGCCACCACTGAACTCTGGCAGACACCACGGCCAGCACAGGGGCC-3'
Protein context (NP_000426.2, residues 95-115): SSVVAGTARF[Ser105Pro]CRCPRGFRGP

ClinVar aggregate classification (germline): Uncertain significance. Review status: criteria provided, multiple submitters, no conflicts (2 of 4 stars). 2 submissions from 2 submitters: Uncertain significance (2). Last evaluated 2024-08-05.

Submissions (2):

Centre for Clinical Genetics and Genomic Diagnostics, Zealand University Hospital
Classification: Uncertain significance. Last evaluated: 2024-08-05. Review status: criteria provided, single submitter. Criteria: ACMG Guidelines, 2015. Collection method: clinical testing. Allele origin: germline. Affected: yes.

Labcorp Genetics (formerly Invitae), Labcorp
Classification: Uncertain significance. Last evaluated: 2022-09-22. Review status: criteria provided, single submitter. Criteria: Invitae Variant Classification Sherloc (09022015). Collection method: clinical testing. Allele origin: germline.
Comment: This sequence change replaces serine, which is neutral and polar, with proline, which is neutral and non-polar, at codon 105 of the NOTCH3 protein (p.Ser105Pro). In summary, the available evidence is currently insufficient to determine the role of this variant in disease. Therefore, it has been classified as a Variant of Uncertain Significance. Advanced modeling of protein sequence and biophysical properties (such as structural, functional, and spatial information, amino acid conservation, physicochemical variation, residue mobility, and thermodynamic stability) has been performed at Invitae for this missense variant, however the output from this modeling did not meet the statistical confidence thresholds required to predict the impact of this variant on NOTCH3 protein function. This variant has not been reported in the literature in individuals affected with NOTCH3-related conditions. This variant is not present in population databases (gnomAD no frequency).